The following is an entry in ClinVar:

NM_006206.6(PDGFRA):c.2789T>G (p.Val930Gly)

Gene: PDGFRA (platelet derived growth factor receptor alpha; plus strand). Cytogenetic location: 4q12.
Variant type: single nucleotide variant.
Coding change: c.2789T>G on transcript NM_006206.6 (MANE Select); coding-DNA position 2789, T replaced by G.
Protein change: p.Val930Gly; replaces valine 930 with glycine.
Molecular consequence: missense variant.
Genome position (GRCh38, 1-based): chr4:54,289,023, T>G. VCF-style: chr4-54289023-T-G. GRCh37 (hg19) VCF-style: chr4-55155190-T-G.
Other names: c.2828T>G, p.Val943Gly (NM_001347830.2); c.2864T>G, p.Val955Gly (NM_001347828.2); c.2789T>G, p.Val930Gly (NM_001347829.2); short protein forms V930G, V955G, V943G.
Identifiers: ClinVar variation 2809672 (VCV002809672.3), dbSNP rs1724498950, ClinGen allele CA356895676.
Genomic context (GRCh38, chr4:54,289,023, plus strand): 5'-CCCTGAGACTTCCCCCTGTGCCCACTCTTGAGTTCTGTCCCCACAGCTACGAGATCATGG[T>G]GAAATGCTGGAACAGTGAGCCGGAGAAGAGACCCTCCTTTTACCACCTGAGTGAGATTGT-3'
Protein context (NP_006197.1, residues 920-940): HATSEVYEIM[Val930Gly]KCWNSEPEKR

ClinVar aggregate classification (germline): Uncertain significance (1 of 4 stars; one submission).

Conditions:
Gastrointestinal stromal tumor. Also called: Gastrointestinal stromal tumor, somatic; Gastrointestinal stroma tumor. Identifiers: Orphanet 44890, MedGen C0238198, MeSH D046152, MONDO:0011719, OMIM 606764, HP:0100723.

Allele frequency attached by ClinVar (database versions not stated): TOPMed below 0.00001.

Submission:

Labcorp Genetics (formerly Invitae), Labcorp
Classification: Uncertain significance for Gastrointestinal stromal tumor. Last evaluated: 2023-10-14. Review status: criteria provided, single submitter. Criteria: Invitae Variant Classification Sherloc (09022015). Collection method: clinical testing. Allele origin: germline.
Comment: This sequence change replaces valine, which is neutral and non-polar, with glycine, which is neutral and non-polar, at codon 930 of the PDGFRA protein (p.Val930Gly). This variant is not present in population databases (gnomAD no frequency). This variant has not been reported in the literature in individuals affected with PDGFRA-related conditions. Advanced modeling of protein sequence and biophysical properties (such as structural, functional, and spatial information, amino acid conservation, physicochemical variation, residue mobility, and thermodynamic stability) performed at Invitae indicates that this missense variant is not expected to disrupt PDGFRA protein function. In summary, the available evidence is currently insufficient to determine the role of this variant in disease. Therefore, it has been classified as a Variant of Uncertain Significance.